The following is an entry in ClinVar:

NM_006904.7(PRKDC):c.8161G>T (p.Gly2721Cys)

Gene: PRKDC (protein kinase, DNA-activated, catalytic subunit; minus strand). Cytogenetic location: 8q11.21.
Variant type: single nucleotide variant.
Coding change: c.8161G>T on transcript NM_006904.7 (MANE Select); coding-DNA position 8161, G replaced by T.
Protein change: p.Gly2721Cys; replaces glycine 2721 with cysteine.
Molecular consequence: missense variant.
Genome position (GRCh38, 1-based): chr8:47,831,918, C>A on the plus strand (G>T on the coding strand, the complement: PRKDC is on the minus strand). VCF-style: chr8-47831918-C-A. GRCh37 (hg19) VCF-style: chr8-48744479-C-A.
Other names: c.8161G>T, p.Gly2721Cys (NM_001081640.2); short protein forms G2721C.
Identifiers: ClinVar variation 1762233 (VCV001762233.2), dbSNP rs748936147, ClinGen allele CA176153573.

ClinVar aggregate classification (germline): Uncertain significance (1 of 4 stars; one submission).

Allele frequency attached by ClinVar (database versions not stated): TOPMed below 0.00001; gnomAD 0.00001.
gnomAD v4.1: 17 of 1,612,042 alleles (0.0011%); highest among the groups gnomAD compares: Non-Finnish European, 0.0014%; no homozygotes.

Submission:

Ambry Genetics
Classification: Uncertain significance. Last evaluated: 2021-12-30. Review status: criteria provided, single submitter. Criteria: Ambry Variant Classification Scheme 2023. Collection method: clinical testing. Allele origin: germline.
Comment: The p.G2721C variant (also known as c.8161G>T), located in coding exon 60 of the PRKDC gene, results from a G to T substitution at nucleotide position 8161. The glycine at codon 2721 is replaced by cysteine, an amino acid with highly dissimilar properties. This amino acid position is conserved. In addition, this alteration is predicted to be tolerated by in silico analysis. Since supporting evidence is limited at this time, the clinical significance of this alteration remains unclear.